The following is an entry in ClinVar:

NM_002772.3(TMPRSS15):c.1090A>G (p.Asn364Asp)

Gene: TMPRSS15 (transmembrane serine protease 15; minus strand). Cytogenetic location: 21q21.1.
Variant type: single nucleotide variant.
Coding change: c.1090A>G on transcript NM_002772.3 (MANE Select); coding-DNA position 1090, A replaced by G.
Protein change: p.Asn364Asp; replaces asparagine 364 with aspartic acid.
Molecular consequence: missense variant.
Genome position (GRCh38, 1-based): chr21:18,352,984, T>C on the plus strand (A>G on the coding strand, the complement: TMPRSS15 is on the minus strand). VCF-style: chr21-18352984-T-C. GRCh37 (hg19) VCF-style: chr21-19725301-T-C.
Other names: short protein forms N364D.
Identifiers: ClinVar variation 2063884 (VCV002063884.1), dbSNP rs760662327, ClinGen allele CA9984555.

ClinVar aggregate classification (germline): Uncertain significance (1 of 4 stars; one submission).

Allele frequency attached by ClinVar (database versions not stated): TOPMed below 0.00001; ExAC 0.00001; gnomAD exomes 0.00001.
gnomAD v4.1: 7 of 1,612,088 alleles (0.00043%); highest among the groups gnomAD compares: Admixed American, 0.0067%; no homozygotes.

Submission:

Labcorp Genetics (formerly Invitae), Labcorp
Classification: Uncertain significance. Last evaluated: 2022-05-07. Review status: criteria provided, single submitter. Criteria: Invitae Variant Classification Sherloc (09022015). Collection method: clinical testing. Allele origin: germline.
Comment: This sequence change replaces asparagine, which is neutral and polar, with aspartic acid, which is acidic and polar, at codon 364 of the TMPRSS15 protein (p.Asn364Asp). This variant is present in population databases (rs760662327, gnomAD 0.01%). This variant has not been reported in the literature in individuals affected with TMPRSS15-related conditions. Algorithms developed to predict the effect of missense changes on protein structure and function output the following: SIFT: "Not Available"; PolyPhen-2: "Benign"; Align-GVGD: "Not Available". The aspartic acid amino acid residue is found in multiple mammalian species, which suggests that this missense change does not adversely affect protein function. In summary, the available evidence is currently insufficient to determine the role of this variant in disease. Therefore, it has been classified as a Variant of Uncertain Significance.